The following is an entry in ClinVar:

ClinVar aggregate classification (germline): Uncertain significance. Review status: criteria provided, multiple submitters, no conflicts (2 of 4 stars). 2 submissions from 2 submitters: Uncertain significance (2). Last evaluated 2025-08-19.

Conditions:
Cardiovascular phenotype. Identifiers: MedGen CN230736.
Naxos disease (NXD). Also called: WOOLLY HAIR, PALMOPLANTAR KERATODERMA, AND CARDIAC ABNORMALITIES; KERATOSIS PALMOPLANTARIS WITH ARRHYTHMOGENIC CARDIOMYOPATHY; MAL DE NAXOS; PALMOPLANTAR KERATODERMA WITH ARRHYTHMOGENIC RIGHT VENTRICULAR CARDIOMYOPATHY AND WOOLLY HAIR; CARDIOMYOPATHY, ARRHYTHMOGENIC RIGHT VENTRICULAR, WITH SKIN, HAIR, AND NAIL ABNORMALITIES. Identifiers: Orphanet 34217, MedGen C1832600, MONDO:0011017, OMIM 601214.
Arrhythmogenic right ventricular dysplasia 12. Also called: ARRHYTHMOGENIC RIGHT VENTRICULAR DYSPLASIA, FAMILIAL, 12. Identifiers: MedGen C1969081, MONDO:0012684, OMIM 611528.

Allele frequency attached by ClinVar (database versions not stated): ExAC 0.00001; gnomAD 0.00001; gnomAD exomes 0.00001 and 0.00002; TOPMed 0.00001.
gnomAD v4.1: 30 of 1,613,358 alleles (0.0019%); highest among the groups gnomAD compares: Non-Finnish European, 0.0024%; no homozygotes.

Submissions (2):

Ambry Genetics
Classification: Uncertain significance for Cardiovascular phenotype. Last evaluated: 2025-08-19. Review status: criteria provided, single submitter. Criteria: Ambry Variant Classification Scheme 2023. Collection method: clinical testing. Allele origin: germline.
Comment: The p.A623G variant (also known as c.1868C>G), located in coding exon 10 of the JUP gene, results from a C to G substitution at nucleotide position 1868. The alanine at codon 623 is replaced by glycine, an amino acid with similar properties. This amino acid position is conserved. In addition, this alteration is predicted to be tolerated by in silico analysis. Based on the available evidence, the clinical significance of this variant remains unclear.

Labcorp Genetics (formerly Invitae), Labcorp
Classification: Uncertain significance for Arrhythmogenic right ventricular dysplasia 12; Naxos disease. Last evaluated: 2025-06-24. Review status: criteria provided, single submitter. Criteria: Invitae Variant Classification Sherloc (09022015). Collection method: clinical testing. Allele origin: germline.
Comment: This sequence change replaces alanine, which is neutral and non-polar, with glycine, which is neutral and non-polar, at codon 623 of the JUP protein (p.Ala623Gly). This variant is present in population databases (rs782760341, gnomAD 0.002%). This variant has not been reported in the literature in individuals affected with JUP-related conditions. ClinVar contains an entry for this variant (Variation ID: 953356). An algorithm developed to predict the effect of missense changes on protein structure and function (PolyPhen-2) suggests that this variant is likely to be tolerated. In summary, the available evidence is currently insufficient to determine the role of this variant in disease. Therefore, it has been classified as a Variant of Uncertain Significance.

NM_002230.4(JUP):c.1868C>G (p.Ala623Gly)

Gene: JUP (junction plakoglobin; minus strand). Cytogenetic location: 17q21.2.
Variant type: single nucleotide variant.
Coding change: c.1868C>G on transcript NM_002230.4 (MANE Select); coding-DNA position 1868, C replaced by G.
Protein change: p.Ala623Gly; replaces alanine 623 with glycine.
Molecular consequence: missense variant.
Genome position (GRCh38, 1-based): chr17:41,757,690, G>C on the plus strand (C>G on the coding strand, the complement: JUP is on the minus strand). VCF-style: chr17-41757690-G-C. GRCh37 (hg19) VCF-style: chr17-39913942-G-C.
Other names: c.1868C>G, p.Ala623Gly (NM_001352773.2, NM_001352774.2, NM_001352775.2 and 3 more transcripts); short protein forms A623G.
Identifiers: ClinVar variation 953356 (VCV000953356.11), dbSNP rs782760341, ClinGen allele CA8565096.